The following is an entry in ClinVar:

ClinVar aggregate classification (germline): Uncertain significance (1 of 4 stars; one submission).

Submission:

Labcorp Genetics (formerly Invitae), Labcorp
Classification: Uncertain significance. Last evaluated: 2024-10-26. Review status: criteria provided, single submitter. Criteria: Invitae Variant Classification Sherloc (09022015). Collection method: clinical testing. Allele origin: germline.
Comment: This sequence change affects codon 790 of the KIDINS220 mRNA. It is a 'silent' change, meaning that it does not change the encoded amino acid sequence of the KIDINS220 protein. It affects a nucleotide within the consensus splice site. This variant is not present in population databases (gnomAD no frequency). This variant has not been reported in the literature in individuals affected with KIDINS220-related conditions. ClinVar contains an entry for this variant (Variation ID: 2124770). Algorithms developed to predict the effect of sequence changes on RNA splicing suggest that this variant is not likely to affect RNA splicing. In summary, the available evidence is currently insufficient to determine the role of this variant in disease. Therefore, it has been classified as a Variant of Uncertain Significance.

NM_020738.4(KIDINS220):c.2370T>G (p.Thr790=)

Gene: KIDINS220 (kinase D interacting substrate 220; minus strand). Cytogenetic location: 2p25.1.
Variant type: single nucleotide variant.
Coding change: c.2370T>G on transcript NM_020738.4 (MANE Select); coding-DNA position 2370, T replaced by G.
Protein change: p.Thr790=; no amino-acid change (threonine 790 retained).
Molecular consequence: synonymous variant. On other transcripts: non-coding transcript variant (2).
Genome position (GRCh38, 1-based): chr2:8,779,674, A>C on the plus strand (T>G on the coding strand, the complement: KIDINS220 is on the minus strand). VCF-style: chr2-8779674-A-C. GRCh37 (hg19) VCF-style: chr2-8919804-A-C.
Other names: c.2373T>G, p.Thr791= (NM_001348729.2, NM_001348731.2, NM_001348734.2 and 3 more transcripts); c.2370T>G, p.Thr790= (NM_001348732.2, NM_001348735.2, NM_001348738.2 and 3 more transcripts); c.2244T>G, p.Thr748= (NM_001348736.2).
Identifiers: ClinVar variation 2124770 (VCV002124770.4), dbSNP rs1671441316, ClinGen allele CA424770225.